The following is an entry in ClinVar:

ClinVar aggregate classification (germline): Likely benign (1 of 4 stars; one submission).

Allele frequency attached by ClinVar (database versions not stated): 1000 Genomes Project 30x 0.00031.

Submission:

CeGaT Center for Human Genetics Tuebingen
Classification: Likely benign. Last evaluated: 2023-02-01. Review status: criteria provided, single submitter. Criteria: CeGaT Center For Human Genetics Tuebingen Variant Classification Criteria Version 2. Collection method: clinical testing. Allele origin: germline. Affected: yes. Observed: 1 variant allele.
Comment: NOMO1: BP4

NM_014287.4(NOMO1):c.302-3C>T

Gene: NOMO1 (NODAL modulator 1). Cytogenetic location: 16p13.11.
Variant type: single nucleotide variant.
Coding change: c.302-3C>T on transcript NM_014287.4 (MANE Select); 3 bases into the intron before coding-DNA position 302, C replaced by T.
Molecular consequence: intron variant.
Genome position (GRCh38, 1-based): chr16:14,844,671, C>T. VCF-style: chr16-14844671-C-T. GRCh37 (hg19) VCF-style: chr16-14938528-C-T.
Identifiers: ClinVar variation 2646241 (VCV002646241.24), dbSNP rs1053645686, ClinGen allele CA278516406.
Genomic context (GRCh38, chr16:14,844,671, plus strand): 5'-CCCCAAAACTAAGCTTGCCTTTGTGTCTTGTGCCCCGGTTTCCTCCCCTGCTTCGTTCCT[C>T]AGAGCCGACGACCGTGGAGCTCCATGTGGATGGAGTCAGTGACATCTGCACAAAGGGTGG-3'